The following is an entry in ClinVar:

ClinVar aggregate classification (germline): Likely benign. Review status: criteria provided, multiple submitters, no conflicts (2 of 4 stars). 2 submissions from 2 submitters: Likely benign (2). Last evaluated 2024-08-07.

Conditions:
Familial cancer of breast. Also called: hereditary breast carcinoma; BREAST CANCER, FAMILIAL; Hereditary breast cancer. Identifiers: Orphanet 227535, MedGen C0346153, MONDO:0016419, OMIM 114480. Disease mechanism: loss of function.

Allele frequency attached by ClinVar (database versions not stated): TOPMed below 0.00001.

Submissions (2):

Labcorp Genetics (formerly Invitae), Labcorp
Classification: Likely benign for Familial cancer of breast. Last evaluated: 2024-08-07. Review status: criteria provided, single submitter. Criteria: Invitae Variant Classification Sherloc (09022015). Collection method: clinical testing. Allele origin: germline.

Myriad Genetics, Inc.
Classification: Likely benign for Familial cancer of breast. Last evaluated: 2024-07-25. Review status: criteria provided, single submitter. Criteria: Myriad Autosomal Dominant, Autosomal Recessive and X-Linked Classification Criteria (2023). Collection method: clinical testing. Allele origin: unknown.
Comment: This variant is considered likely benign. This variant is intronic and is not expected to impact mRNA splicing.

NM_000465.4(BARD1):c.1395+7G>A

Gene: BARD1 (BRCA1 associated RING domain 1; minus strand). Cytogenetic location: 2q35.
Variant type: single nucleotide variant.
Coding change: c.1395+7G>A on transcript NM_000465.4 (MANE Select); 7 bases into the intron after coding-DNA position 1395, G replaced by A.
Molecular consequence: intron variant.
Genome position (GRCh38, 1-based): chr2:214,769,225, C>T on the plus strand (G>A on the coding strand, the complement: BARD1 is on the minus strand). VCF-style: chr2-214769225-C-T. GRCh37 (hg19) VCF-style: chr2-215633949-C-T.
Other names: c.159-16670G>A (NM_001282548.2); c.1338+7G>A (NM_001282543.2); c.216-16670G>A (NM_001282545.2); c.364+23072G>A (NM_001282549.2).
Identifiers: ClinVar variation 3022409 (VCV003022409.4), dbSNP rs750290359, ClinGen allele CA764583804.